The following is an entry in ClinVar:

ClinVar aggregate classification (germline): Benign (1 of 4 stars; one submission).

Allele frequency attached by ClinVar (database versions not stated): gnomAD 0.05844 and 0.06113; 1000 Genomes Project 0.05871; 1000 Genomes Project 30x 0.06277; TOPMed 0.06319.
gnomAD v4.1: 8,857 of 152,114 alleles (5.8%); highest among the groups gnomAD compares: African/African-American, 14%; 492 homozygotes.

Submission:

GeneDx
Classification: Benign. Last evaluated: 2018-06-14. Review status: criteria provided, single submitter. Criteria: GeneDx Variant Classification (06012015). Collection method: clinical testing. Allele origin: germline. Affected: yes.
Comment: This variant is considered likely benign or benign based on one or more of the following criteria: it is a conservative change, it occurs at a poorly conserved position in the protein, it is predicted to be benign by multiple in silico algorithms, and/or has population frequency not consistent with disease.

NM_001854.4(COL11A1):c.3979-259G>A

Gene: COL11A1 (collagen type XI alpha 1 chain; minus strand). Cytogenetic location: 1p21.1.
Variant type: single nucleotide variant.
Coding change: c.3979-259G>A on transcript NM_001854.4 (MANE Select); 259 bases into the intron before coding-DNA position 3979, G replaced by A.
Molecular consequence: intron variant.
Genome position (GRCh38, 1-based): chr1:102,913,949, C>T on the plus strand (G>A on the coding strand, the complement: COL11A1 is on the minus strand). VCF-style: chr1-102913949-C-T. GRCh37 (hg19) VCF-style: chr1-103379505-C-T.
Other names: c.3862-259G>A (NM_001190709.2); c.4015-259G>A (NM_080629.3); c.3631-259G>A (NM_080630.4).
Identifiers: ClinVar variation 681310 (VCV000681310.1), dbSNP rs992098, ClinGen allele CA27676162.